The following is an entry in ClinVar:

ClinVar aggregate classification (germline): Uncertain significance. Review status: criteria provided, single submitter (1 of 4 stars). 2 submissions from 2 submitters: Uncertain significance (1). 1 of the submissions does not count toward it. Last evaluated 2022-12-05.

Conditions:
COL2A1-related disorder. Also called: COL2A1-related condition; COL2A1-related disorders.

Submissions (2):

Labcorp Genetics (formerly Invitae), Labcorp
Classification: Uncertain significance. Last evaluated: 2022-12-05. Review status: criteria provided, single submitter. Criteria: Invitae Variant Classification Sherloc (09022015). Collection method: clinical testing. Allele origin: germline.
Comment: This sequence change falls in intron 30 of the COL2A1 gene. It does not directly change the encoded amino acid sequence of the COL2A1 protein. It affects a nucleotide within the consensus splice site. This variant is not present in population databases (gnomAD no frequency). This variant has not been reported in the literature in individuals affected with COL2A1-related conditions. Variants that disrupt the consensus splice site are a relatively common cause of aberrant splicing (PMID: 17576681, 9536098). Algorithms developed to predict the effect of sequence changes on RNA splicing suggest that this variant is not likely to affect RNA splicing. In summary, the available evidence is currently insufficient to determine the role of this variant in disease. Therefore, it has been classified as a Variant of Uncertain Significance.

PreventionGenetics, part of Exact Sciences
Classification: Likely benign for COL2A1-related condition. Last evaluated: 2021-04-07. Review status: no assertion criteria provided. Collection method: clinical testing. Allele origin: germline. Not counted in ClinVar's aggregate classification.
Comment: This variant is classified as likely benign based on ACMG/AMP sequence variant interpretation guidelines (Richards et al. 2015 PMID: 25741868, with internal and published modifications).

Literature cited by the submitters: PubMed 17576681 (cited by Labcorp Genetics (formerly Invitae), Labcorp); PubMed 9536098 (cited by Labcorp Genetics (formerly Invitae), Labcorp).

NM_001844.5(COL2A1):c.1996-3T>C

Gene: COL2A1 (collagen type II alpha 1 chain; minus strand). Cytogenetic location: 12q13.11.
Variant type: single nucleotide variant.
Coding change: c.1996-3T>C on transcript NM_001844.5 (MANE Select); 3 bases into the intron before coding-DNA position 1996, T replaced by C.
Molecular consequence: intron variant.
Genome position (GRCh38, 1-based): chr12:47,983,441, A>G on the plus strand (T>C on the coding strand, the complement: COL2A1 is on the minus strand). VCF-style: chr12-47983441-A-G. GRCh37 (hg19) VCF-style: chr12-48377224-A-G.
Other names: c.1789-3T>C (NM_033150.3); c.1996-3T>C (NM_001844.4).
Identifiers: ClinVar variation 2818771 (VCV002818771.5), dbSNP rs2540138559, ClinGen allele CA2575137955.